The following is an entry in ClinVar:

ClinVar aggregate classification (germline): Uncertain significance (1 of 4 stars; one submission).

Allele frequency attached by ClinVar (database versions not stated): ESP Exome Variant Server 0.00010; gnomAD exomes 0.00001; TOPMed 0.00003.
gnomAD v4.1: 4 of 1,188,691 alleles (0.00034%); highest among the groups gnomAD compares: African/African-American, 0.007%; no homozygotes.

Submission:

GeneDx
Classification: Uncertain significance. Last evaluated: 2025-10-30. Review status: criteria provided, single submitter. Criteria: GeneDx Variant Classification Process June 2021. Collection method: clinical testing. Allele origin: germline. Affected: yes.
Comment: In silico analysis supports that this missense variant has a deleterious effect on protein structure/function; Has not been previously published as pathogenic or benign to our knowledge

NM_007363.5(NONO):c.105G>T (p.Gln35His)

Gene: NONO (non-POU domain containing octamer binding; plus strand). Cytogenetic location: Xq13.1.
Variant type: single nucleotide variant.
Coding change: c.105G>T on transcript NM_007363.5 (MANE Select); coding-DNA position 105, G replaced by T.
Protein change: p.Gln35His; replaces glutamine 35 with histidine.
Molecular consequence: missense variant. On other transcripts: intron variant (1).
Genome position (GRCh38, 1-based): chrX:71,290,742, G>T. VCF-style: chrX-71290742-G-T. GRCh37 (hg19) VCF-style: chrX-70510592-G-T.
Other names: c.105G>T, p.Gln35His (NM_001145408.2, NM_001145409.2); c.-113-1037G>T (NM_001145410.2); short protein forms Q35H.
Identifiers: ClinVar variation 1314808 (VCV001314808.3), dbSNP rs147579344, ClinGen allele CA331031521.